The following is an entry in ClinVar:

ClinVar aggregate classification (germline): Uncertain significance. Review status: criteria provided, multiple submitters, no conflicts (2 of 4 stars). 2 submissions from 2 submitters: Uncertain significance (2). Last evaluated 2023-11-24.

Conditions:
RASopathy. Also called: Noonan spectrum disorder; rasopathies. Identifiers: Orphanet 536391, MedGen C5555857, MONDO:0021060.

gnomAD v4.1: 3 of 1,613,932 alleles (0.00019%); highest among the groups gnomAD compares: Non-Finnish European, 0.00025%; no homozygotes.

Submissions (2):

Labcorp Genetics (formerly Invitae), Labcorp
Classification: Uncertain significance for RASopathy. Last evaluated: 2023-11-24. Review status: criteria provided, single submitter. Criteria: Invitae Variant Classification Sherloc (09022015). Collection method: clinical testing. Allele origin: germline.
Comment: This sequence change replaces leucine, which is neutral and non-polar, with methionine, which is neutral and non-polar, at codon 1278 of the SOS1 protein (p.Leu1278Met). This variant is not present in population databases (gnomAD no frequency). This variant has not been reported in the literature in individuals affected with SOS1-related conditions. ClinVar contains an entry for this variant (Variation ID: 2571732). Advanced modeling of protein sequence and biophysical properties (such as structural, functional, and spatial information, amino acid conservation, physicochemical variation, residue mobility, and thermodynamic stability) performed at Invitae indicates that this missense variant is not expected to disrupt SOS1 protein function with a negative predictive value of 95%. In summary, the available evidence is currently insufficient to determine the role of this variant in disease. Therefore, it has been classified as a Variant of Uncertain Significance.

GeneDx
Classification: Uncertain significance. Last evaluated: 2023-06-22. Review status: criteria provided, single submitter. Criteria: GeneDx Variant Classification Process June 2021. Collection method: clinical testing. Allele origin: germline. Affected: yes.
Comment: Not observed at significant frequency in large population cohorts (gnomAD); Missense variants in this gene are often considered pathogenic (HGMD); In silico analysis supports that this missense variant does not alter protein structure/function; Has not been previously published as pathogenic or benign to our knowledge; This variant is associated with the following publications: (PMID: 29493581)

NM_005633.4(SOS1):c.3832T>A (p.Leu1278Met)

Gene: SOS1 (SOS Ras/Rac guanine nucleotide exchange factor 1; minus strand). Cytogenetic location: 2p22.1.
Variant type: single nucleotide variant.
Coding change: c.3832T>A on transcript NM_005633.4 (MANE Select); coding-DNA position 3832, T replaced by A.
Protein change: p.Leu1278Met; replaces leucine 1278 with methionine.
Molecular consequence: missense variant.
Genome position (GRCh38, 1-based): chr2:38,985,994, A>T on the plus strand (T>A on the coding strand, the complement: SOS1 is on the minus strand). VCF-style: chr2-38985994-A-T. GRCh37 (hg19) VCF-style: chr2-39213135-A-T.
Other names: c.3811T>A, p.Leu1271Met (NM_001382394.1); c.3787T>A, p.Leu1263Met (NM_001382395.1); short protein forms L1263M, L1271M, L1278M.
Identifiers: ClinVar variation 2571732 (VCV002571732.4), dbSNP rs750354913, ClinGen allele CA346362229.